The following is an entry in ClinVar:

ClinVar aggregate classification (germline): Uncertain significance. Review status: criteria provided, multiple submitters, no conflicts (2 of 4 stars). 2 submissions from 2 submitters: Uncertain significance (2). Last evaluated 2022-09-27.

Conditions:
Inborn genetic diseases. Identifiers: MedGen C0950123, MeSH D030342.

Submissions (2):

Labcorp Genetics (formerly Invitae), Labcorp
Classification: Uncertain significance. Last evaluated: 2022-09-27. Review status: criteria provided, single submitter. Criteria: Invitae Variant Classification Sherloc (09022015). Collection method: clinical testing. Allele origin: germline.
Comment: This sequence change replaces histidine, which is basic and polar, with glutamine, which is neutral and polar, at codon 746 of the CRB2 protein (p.His746Gln). This variant is present in population databases (rs757353722, gnomAD 0.01%). This variant has not been reported in the literature in individuals affected with CRB2-related conditions. Advanced modeling of protein sequence and biophysical properties (such as structural, functional, and spatial information, amino acid conservation, physicochemical variation, residue mobility, and thermodynamic stability) performed at Invitae indicates that this missense variant is not expected to disrupt CRB2 protein function. Algorithms developed to predict the effect of sequence changes on RNA splicing suggest that this variant may create or strengthen a splice site. In summary, the available evidence is currently insufficient to determine the role of this variant in disease. Therefore, it has been classified as a Variant of Uncertain Significance.

Ambry Genetics
Classification: Uncertain significance for Inborn genetic diseases. Last evaluated: 2021-11-16. Review status: criteria provided, single submitter. Criteria: Ambry Variant Classification Scheme 2023. Collection method: clinical testing. Allele origin: germline.

NM_173689.7(CRB2):c.2238C>G (p.His746Gln)

Gene: CRB2 (crumbs cell polarity complex component 2; plus strand). Cytogenetic location: 9q33.3.
Variant type: single nucleotide variant.
Coding change: c.2238C>G on transcript NM_173689.7 (MANE Select); coding-DNA position 2238, C replaced by G.
Protein change: p.His746Gln; replaces histidine 746 with glutamine.
Molecular consequence: missense variant. On other transcripts: non-coding transcript variant (1).
Genome position (GRCh38, 1-based): chr9:123,371,380, C>G. VCF-style: chr9-123371380-C-G. GRCh37 (hg19) VCF-style: chr9-126133659-C-G.
Other names: c.2238C>G (NM_173689.5); short protein forms H746Q.
Identifiers: ClinVar variation 2150354 (VCV002150354.2), dbSNP rs757353722, ClinGen allele CA5232156.